The following is an entry in ClinVar:

ClinVar aggregate classification (germline): Conflicting classifications of pathogenicity. Review status: criteria provided, conflicting classifications (1 of 4 stars). 9 submissions from 9 submitters: Pathogenic (1); Likely pathogenic (3); Uncertain significance (4). 1 of the submissions does not count toward it. Last evaluated 2026-08-27.

Conditions:
ABCC6-related disorder. Also called: ABCC6-related condition.
Autosomal recessive inherited pseudoxanthoma elasticum (PXE). Identifiers: Orphanet 758, MedGen CN032334, MONDO:0009925, OMIM 264800.

Allele frequency attached by ClinVar (database versions not stated): ExAC 0.00001; gnomAD exomes 0.00005 and 0.00012; gnomAD 0.00035 and 0.00036; TOPMed 0.00035.
gnomAD v4.1: 120 of 1,614,002 alleles (0.0074%); highest among the groups gnomAD compares: Admixed American, 0.12%; 1 homozygote.

Submissions (9):

PreventionGenetics, part of Exact Sciences
Classification: Uncertain significance for ABCC6-related condition. Last evaluated: 2026-08-27. Review status: criteria provided, single submitter. Criteria: ACMG Guidelines, 2015. Collection method: clinical testing. Allele origin: germline.
Comment: The ABCC6 c.1703T>C variant is predicted to result in the amino acid substitution p.Phe568Ser. This variant has been identified in the compound heterozygous state in an individual with pseudoxanthoma elasticum (Ringpfeil et al. 2006. PubMed ID: 16410789). This variant has been reported in individuals with pseudoxanthoma elasticum (Dias et al. 2024. PubMed ID: 38602027; Le Saux et al. 2001. PubMed ID: 11536079; Supplemental Table 2, Legrand et al. 2017. PubMed ID: 28102862; Table S1, Saeidian et al. 2021. PubMed ID: 34906475); however, additional genetic/individual level information was not provided or a variant in another gene was also identified. This variant is reported in 0.072% of alleles in individuals of Latino descent in gnomAD (as displayed in the table above). In addition, in gnomAD v4 (available only on GRCh38), this variant is reported in the homozygous state in one individual. At this time, the clinical significance of this variant is uncertain due to the absence of conclusive functional and genetic evidence.

Labcorp Genetics (formerly Invitae), Labcorp
Classification: Pathogenic. Last evaluated: 2026-01-07. Review status: criteria provided, single submitter. Criteria: Invitae Variant Classification Sherloc (09022015). Collection method: clinical testing. Allele origin: germline.
Comment: This sequence change replaces phenylalanine, which is neutral and non-polar, with serine, which is neutral and polar, at codon 568 of the ABCC6 protein (p.Phe568Ser). This variant is present in population databases (rs66864704, gnomAD 0.07%). This missense change has been observed in individual(s) with clinical features of pseudoxanthoma elasticum (PMID: 16410789; internal data). In at least one individual the data is consistent with being in trans (on the opposite chromosome) from a pathogenic variant. ClinVar contains an entry for this variant (Variation ID: 433241). Invitae Evidence Modeling of protein sequence and biophysical properties (such as structural, functional, and spatial information, amino acid conservation, physicochemical variation, residue mobility, and thermodynamic stability) indicates that this missense variant is expected to disrupt ABCC6 protein function with a positive predictive value of 95%. For these reasons, this variant has been classified as Pathogenic.

Dasa
Classification: Uncertain significance. Last evaluated: 2025-12-10. Review status: criteria provided, single submitter. Criteria: DASA Assertion Criteria. Collection method: clinical testing. Allele origin: germline.
Comment: NM_001171.6(ABCC6):c.1703T>C (p.Phe568Ser) is a missense variant that results in the substitution of phenylalanine with serine. This variant has been reported in individuals with ABCC6-related disorders (PMID: 16410789). Also, this variant is rare in population databases. Computational prediction algorithms are consistent with a deleterious effect. The currently available literature and clinical evidence are not sufficient to establish a definitive association between this variant and the reported condition. Therefore, this variant is classified as a variant of uncertain significance.

GeneDx
Classification: Uncertain significance. Last evaluated: 2025-07-28. Review status: criteria provided, single submitter. Criteria: GeneDx Variant Classification Process June 2021. Collection method: clinical testing. Allele origin: germline. Affected: yes.
Comment: Identified in patients with pseudoxanthoma elasticum in published literature, however, the genotype of these individuals was not included (PMID: 11536079, 38602027); In silico analysis supports that this missense variant has a deleterious effect on protein structure/function; This variant is associated with the following publications: (PMID: 31589614, 34906475, 32873932, 33107650, 16410789, 11536079, 38602027)

Blueprint Genetics
Classification: Likely pathogenic for ABCC6-related disorders. Last evaluated: 2024-03-19. Review status: criteria provided, single submitter. Criteria: ACMG Guidelines, 2015. Collection method: clinical testing. Allele origin: germline. Affected: yes. Observed: 5 variant alleles.

Revvity Omics, Revvity
Classification: Uncertain significance. Last evaluated: 2024-02-02. Review status: criteria provided, single submitter. Criteria: ACMG Guidelines, 2015. Collection method: clinical testing. Allele origin: germline.

Laboratorio de Genetica e Diagnostico Molecular, Hospital Israelita Albert Einstein
Classification: Likely pathogenic for Autosomal recessive inherited pseudoxanthoma elasticum. Last evaluated: 2023-02-12. Review status: criteria provided, single submitter. Criteria: ACMG Guidelines, 2015. Collection method: clinical testing. Allele origin: germline. Affected: yes. Observed: 1 variant allele.
Comment: ACMG classification criteria: PM3 strong, PP3 supporting, PP4

Neuberg Centre For Genomic Medicine, NCGM
Classification: Likely pathogenic for Autosomal recessive inherited pseudoxanthoma elasticum. Last evaluated: 2023-01-24. Review status: criteria provided, single submitter. Criteria: ACMG Guidelines, 2015. Collection method: clinical testing. Allele origin: germline. Inheritance: Autosomal recessive inheritance. Affected: yes.
Comment: The missense c.1703T>C (p.Phe568Ser) variant in ABCC6 gene has been reported previously in multiple individuals affected with pseudoxanthoma elasticum (Ringpfeil et al. 2006; Legrand et al. 2017; Verschuere et al. 2021). The p.Phe568Ser variant is reported with an allele frequency of 0.001% in the gnomAD exomes database and is novel (not in any individuals) in 1000 Genomes database. This variant has been reported to the ClinVar database as Uncertain Significance / Pathogenic. The amino acid change p.Phe568Ser in ABCC6 is predicted as conserved by GERP++ and PhyloP across 100 vertebrates. The amino acid Phe at position 568 is changed to a Ser changing protein sequence and it might alter its composition and physico-chemical properties. Additional studies will be required to prove the pathogenicity of this variant. For these reasons, this variant has been classified as Likely Pathogenic.

PXE International
Classification: Uncertain significance for Autosomal recessive inherited pseudoxanthoma elasticum. Last evaluated: 2021-02-16. Review status: no assertion criteria provided. Collection method: research. Allele origin: germline. Inheritance: Autosomal recessive inheritance. Affected: yes. Observed: 4 variant alleles. Clinical features observed: Spastic paraplegia (HP:0001258), Retromacular fibrosis, Papule (HP:0200034), Skin plaque (HP:0200035), Angioid streaks (HP:0001102), Gastrointestinal hemorrhage (HP:0002239), Intermittent claudication (HP:0004417), Angina pectoris (HP:0001681), Abnormal EKG (HP:0003115), Weak or absent arterial pulse, Abnormally lax or hyperextensible skin (HP:0008067), Vascular surgery. Not counted in ClinVar's aggregate classification.

Literature cited by the submitters: PubMed 16410789 (cited by Labcorp Genetics (formerly Invitae), Labcorp and Dasa); PubMed 32873932 (cited by PXE International).

NM_001171.6(ABCC6):c.1703T>C (p.Phe568Ser)

Gene: ABCC6 (ATP binding cassette subfamily C member 6; minus strand). Cytogenetic location: 16p13.11.
Variant type: single nucleotide variant.
Coding change: c.1703T>C on transcript NM_001171.6 (MANE Select); coding-DNA position 1703, T replaced by C.
Protein change: p.Phe568Ser; replaces phenylalanine 568 with serine.
Molecular consequence: missense variant. On other transcripts: non-coding transcript variant (1).
Genome position (GRCh38, 1-based): chr16:16,188,907, A>G on the plus strand (T>C on the coding strand, the complement: ABCC6 is on the minus strand). VCF-style: chr16-16188907-A-G. GRCh37 (hg19) VCF-style: chr16-16282764-A-G.
Other names: c.1361T>C, p.Phe454Ser (NM_001351800.1); short protein forms F568S, F454S.
Identifiers: ClinVar variation 433241 (VCV000433241.17), dbSNP rs66864704, ClinGen allele CA7926198.